The following is an entry in ClinVar:

NM_001379610.1(SPINK1):c.30T>G (p.Ser10Arg)

Gene: SPINK1 (serine peptidase inhibitor Kazal type 1; minus strand). Cytogenetic location: 5q32.
Variant type: single nucleotide variant.
Coding change: c.30T>G on transcript NM_001379610.1 (MANE Select); coding-DNA position 30, T replaced by G.
Protein change: p.Ser10Arg; replaces serine 10 with arginine.
Molecular consequence: missense variant.
Genome position (GRCh38, 1-based): chr5:147,831,548, A>C on the plus strand (T>G on the coding strand, the complement: SPINK1 is on the minus strand). VCF-style: chr5-147831548-A-C. GRCh37 (hg19) VCF-style: chr5-147211111-A-C.
Other names: c.30T>G, p.Ser10Arg (NM_001354966.2, NM_003122.5); short protein forms S10R.
Identifiers: ClinVar variation 3647117 (VCV003647117.2).

ClinVar aggregate classification (germline): Uncertain significance (1 of 4 stars; one submission).

Conditions:
Hereditary pancreatitis (PCTT). Also called: Hereditary chronic pancreatitis; PRSS1-Related Hereditary Pancreatitis. Identifiers: Orphanet 676, MedGen C0238339, MONDO:0008185, OMIM 167800.

Submission:

Labcorp Genetics (formerly Invitae), Labcorp
Classification: Uncertain significance for Hereditary pancreatitis. Last evaluated: 2024-03-21. Review status: criteria provided, single submitter. Criteria: Invitae Variant Classification Sherloc (09022015). Collection method: clinical testing. Allele origin: germline.
Comment: This sequence change replaces serine, which is neutral and polar, with arginine, which is basic and polar, at codon 10 of the SPINK1 protein (p.Ser10Arg). This variant is not present in population databases (gnomAD no frequency). This variant has not been reported in the literature in individuals affected with SPINK1-related conditions. An algorithm developed to predict the effect of missense changes on protein structure and function (PolyPhen-2) suggests that this variant is likely to be tolerated. In summary, the available evidence is currently insufficient to determine the role of this variant in disease. Therefore, it has been classified as a Variant of Uncertain Significance.